The following is an entry in ClinVar:

NM_000070.3(CAPN3):c.760_789dup (p.Gly263_Cys264insLysAlaIleGluArgGlySerLeuMetGly)

Gene: CAPN3 (calpain 3; plus strand). Cytogenetic location: 15q15.1.
Variant type: Duplication.
Coding change: c.760_789dup on transcript NM_000070.3 (MANE Select); coding-DNA positions 760 to 789, 30 bases duplicated (AAAGCCATCGAGAGAGGCTCCCTCATGGGC).
Protein change: p.Gly263_Cys264insLysAlaIleGluArgGlySerLeuMetGly.
Molecular consequence: inframe insertion.
Genome position (GRCh38, 1-based): chr15:42,389,055-42,389,084, AAAGCCATCGAGAGAGGCTCCCTCATGGGC duplicated. VCF-style (leftmost placement, unchanged base first): chr15-42389054-G-GAAAGCCATCGAGAGAGGCTCCCTCATGGGC. GRCh37 (hg19) VCF-style: chr15-42681252-G-GAAAGCCATCGAGAGAGGCTCCCTCATGGGC.
Other names: c.760_789dup, p.Gly263_Cys264insLysAlaIleGluArgGlySerLeuMetGly (NM_024344.2, NM_173087.2).
Identifiers: ClinVar variation 4714890 (VCV004714890.1).
Genomic context (GRCh38, chr15:42,389,054, plus strand): 5'-AGGGGTGGCAGAGTTTTTTGAGATCAGGGATGCTCCTAGTGACATGTACAAGATCATGAA[G>GAAAGCCATCGAGAGAGGCTCCCTCATGGGC]AAAGCCATCGAGAGAGGCTCCCTCATGGGCTGCTCCATTGATGTAAGTCTGGGGTGTGGG-3'

ClinVar aggregate classification (germline): Uncertain significance (1 of 4 stars; one submission).

Conditions:
Autosomal recessive limb-girdle muscular dystrophy type 2A (LGMDR1). Also called: MUSCULAR DYSTROPHY, PELVOFEMORAL; Limb-girdle muscular dystrophy, type 2A; Calpainopathy; LEYDEN-MOEBIUS MUSCULAR DYSTROPHY; Muscular dystrophy, limb-girdle, type 2A, Amish. Identifiers: Orphanet 267, MedGen C1869123, MONDO:0009675, OMIM 253600. Disease mechanism: loss of function.

Submission:

Labcorp Genetics (formerly Invitae), Labcorp
Classification: Uncertain significance for Autosomal recessive limb-girdle muscular dystrophy type 2A. Last evaluated: 2025-03-11. Review status: criteria provided, single submitter. Criteria: Invitae Variant Classification Sherloc (09022015). Collection method: clinical testing. Allele origin: germline.
Comment: This variant, c.760_789dup, results in the insertion of 10 amino acid(s) of the CAPN3 protein (p.Lys254_Gly263dup), but otherwise preserves the integrity of the reading frame. This variant is not present in population databases (gnomAD no frequency). This variant has not been reported in the literature in individuals affected with CAPN3-related conditions. In summary, the available evidence is currently insufficient to determine the role of this variant in disease. Therefore, it has been classified as a Variant of Uncertain Significance.